The following is an entry in ClinVar:

ClinVar aggregate classification (germline): Benign/Likely benign. Review status: criteria provided, multiple submitters, no conflicts (2 of 4 stars). 3 submissions from 3 submitters: Benign (1); Likely benign (2). Last evaluated 2025-08-08.

Conditions:
Inborn genetic diseases. Identifiers: MedGen C0950123, MeSH D030342.

Allele frequency attached by ClinVar (database versions not stated): ESP Exome Variant Server 0.00009; TOPMed 0.00010; gnomAD 0.00004; gnomAD exomes 0.00014 and 0.00005; ExAC 0.00008.
gnomAD v4.1: 64 of 1,167,022 alleles (0.0055%); highest among the groups gnomAD compares: Admixed American, 0.05%; no homozygotes.

Submissions (3):

Labcorp Genetics (formerly Invitae), Labcorp
Classification: Benign. Last evaluated: 2025-08-08. Review status: criteria provided, single submitter. Criteria: Invitae Variant Classification Sherloc (09022015). Collection method: clinical testing. Allele origin: germline.

Ambry Genetics
Classification: Likely benign for Inborn genetic diseases. Last evaluated: 2025-07-15. Review status: criteria provided, single submitter. Criteria: Ambry Variant Classification Scheme 2023. Collection method: clinical testing. Allele origin: germline.

GeneDx
Classification: Likely benign. Last evaluated: 2021-09-06. Review status: criteria provided, single submitter. Criteria: GeneDx Variant Classification Process June 2021. Collection method: clinical testing. Allele origin: germline. Affected: yes.
Comment: See Variant Classification Assertion Criteria.

NM_031407.7(HUWE1):c.11473A>G (p.Ile3825Val)

Gene: HUWE1 (HECT, UBA and WWE domain containing E3 ubiquitin protein ligase 1; minus strand). Cytogenetic location: Xp11.22.
Variant type: single nucleotide variant.
Coding change: c.11473A>G on transcript NM_031407.7 (MANE Select); coding-DNA position 11473, A replaced by G.
Protein change: p.Ile3825Val; replaces isoleucine 3825 with valine.
Molecular consequence: missense variant.
Genome position (GRCh38, 1-based): chrX:53,542,446, T>C on the plus strand (A>G on the coding strand, the complement: HUWE1 is on the minus strand). VCF-style: chrX-53542446-T-C. GRCh37 (hg19) VCF-style: chrX-53569407-T-C.
Other names: short protein forms I3825V.
Identifiers: ClinVar variation 1683867 (VCV001683867.6), dbSNP rs201536543, ClinGen allele CA10421375.